The following is an entry in ClinVar:

ClinVar aggregate classification (germline): Uncertain significance. Review status: criteria provided, multiple submitters, no conflicts (2 of 4 stars). 2 submissions from 2 submitters: Uncertain significance (2). Last evaluated 2025-06-03.

Conditions:
Inborn genetic diseases. Identifiers: MedGen C0950123, MeSH D030342.

gnomAD v4.1: 60 of 1,614,060 alleles (0.0037%); highest among the groups gnomAD compares: South Asian, 0.022%; 1 homozygote.

Submissions (2):

GeneDx
Classification: Uncertain significance. Last evaluated: 2025-06-03. Review status: criteria provided, single submitter. Criteria: GeneDx Variant Classification Process June 2021. Collection method: clinical testing. Allele origin: germline. Affected: yes.
Comment: In silico analysis supports that this missense variant has a deleterious effect on protein structure/function; Has not been previously published as pathogenic or benign to our knowledge

Ambry Genetics
Classification: Uncertain significance for Inborn genetic diseases. Last evaluated: 2024-05-28. Review status: criteria provided, single submitter. Criteria: Ambry Variant Classification Scheme 2023. Collection method: clinical testing. Allele origin: germline.

NM_138295.5(PKD1L1):c.5861C>T (p.Thr1954Met)

Gene: PKD1L1 (polycystin 1 like 1, transient receptor potential channel interacting; minus strand). Cytogenetic location: 7p12.3.
Variant type: single nucleotide variant.
Coding change: c.5861C>T on transcript NM_138295.5 (MANE Select); coding-DNA position 5861, C replaced by T.
Protein change: p.Thr1954Met; replaces threonine 1954 with methionine.
Molecular consequence: missense variant.
Genome position (GRCh38, 1-based): chr7:47,837,003, G>A on the plus strand (C>T on the coding strand, the complement: PKD1L1 is on the minus strand). VCF-style: chr7-47837003-G-A. GRCh37 (hg19) VCF-style: chr7-47876601-G-A.
Other names: short protein forms T1954M.
Identifiers: ClinVar variation 3306883 (VCV003306883.2).